The following is an entry in ClinVar:

ClinVar aggregate classification (germline): Uncertain significance (1 of 4 stars; one submission).

Submission:

Labcorp Genetics (formerly Invitae), Labcorp
Classification: Uncertain significance. Last evaluated: 2023-02-08. Review status: criteria provided, single submitter. Criteria: Invitae Variant Classification Sherloc (09022015). Collection method: clinical testing. Allele origin: germline.
Comment: Experimental studies and prediction algorithms are not available or were not evaluated, and the functional significance of this variant is currently unknown. This variant has not been reported in the literature in individuals affected with KAT6A-related conditions. This variant is present in population databases (rs770109170, gnomAD 0.002%). This variant, c.3699_3707del, results in the deletion of 3 amino acid(s) of the KAT6A protein (p.Ala1236_Glu1238del), but otherwise preserves the integrity of the reading frame. In summary, the available evidence is currently insufficient to determine the role of this variant in disease. Therefore, it has been classified as a Variant of Uncertain Significance.

NM_006766.5(KAT6A):c.3699_3707del (p.1233AEE[1])

Gene: KAT6A (lysine acetyltransferase 6A; minus strand). Cytogenetic location: 8p11.21.
Variant type: Deletion.
Coding change: c.3699_3707del on transcript NM_006766.5 (MANE Select); coding-DNA positions 3699 to 3707, 9 bases deleted (AGAAGAGGC; older notation c.3699_3707delAGAAGAGGC).
Protein change: p.1233AEE[1].
Molecular consequence: inframe deletion.
Genome position (GRCh38, 1-based): chr8:41,934,513-41,934,521, GCCTCTTCT deleted on the plus strand (AGAAGAGGC on the coding strand, the reverse complement: KAT6A is on the minus strand); deleting any 9 consecutive bases within chr8:41,934,513-41,934,527 gives the same sequence; the c. name uses the placement nearest the transcript's 3' end. VCF-style (leftmost placement, unchanged base first): chr8-41934512-AGCCTCTTCT-A. GRCh37 (hg19) VCF-style: chr8-41792030-AGCCTCTTCT-A.
Identifiers: ClinVar variation 2835491 (VCV002835491.3), dbSNP rs770109170, ClinGen allele CA4729623.